The following is an entry in ClinVar:

ClinVar aggregate classification (germline): Pathogenic (1 of 4 stars; one submission).

Submission:

Labcorp Genetics (formerly Invitae), Labcorp
Classification: Pathogenic. Last evaluated: 2019-11-28. Review status: criteria provided, single submitter. Criteria: Invitae Variant Classification Sherloc (09022015). Collection method: clinical testing. Allele origin: germline.
Comment: For these reasons, this variant has been classified as Pathogenic. Loss-of-function variants in HPS1 are known to be pathogenic (PMID: 12442288, 16185271). This variant has not been reported in the literature in individuals with HPS1-related conditions. This variant is not present in population databases (ExAC no frequency). This sequence change creates a premature translational stop signal (p.Trp274Leufs*25) in the HPS1 gene. It is expected to result in an absent or disrupted protein product.

Literature cited by the submitters: PubMed 12442288; PubMed 16185271.

NM_000195.5(HPS1):c.820dup (p.Trp274fs)

Gene: HPS1 (HPS1 biogenesis of lysosomal organelles complex 3 subunit 1; minus strand). Cytogenetic location: 10q24.2.
Variant type: Duplication.
Coding change: c.820dup on transcript NM_000195.5 (MANE Select); coding-DNA position 820, one base duplicated (T; older notation c.820dupT).
Protein change: p.Trp274fs; shifts the reading frame from tryptophan 274.
Molecular consequence: frameshift variant. On other transcripts: 5 prime UTR variant (1), intron variant (8).
Genome position (GRCh38, 1-based): chr10:98,429,838, A duplicated on the plus strand (T on the coding strand, the reverse complement: HPS1 is on the minus strand). VCF-style (leftmost placement, unchanged base first): chr10-98429837-C-CA. GRCh37 (hg19) VCF-style: chr10-100189594-C-CA.
Other names: c.820dup, p.Trp274fs (NM_001322476.2, NM_001322477.2, NM_182639.4); c.559dup, p.Trp187fs (NM_001322480.2, NM_001322481.2); c.451dup, p.Trp151fs (NM_001322483.2, NM_001322484.2); c.-153dup (NM_001322487.2); c.702dup, p.Gly235fs (NM_001322490.2); c.769-196dup (NM_001322478.2, NM_001322479.2, NM_001322491.2); c.400-196dup (NM_001322485.2); c.508-196dup (NM_001322482.2); and 2 more; short protein forms W274fs, W187fs, G235fs, W151fs.
Identifiers: ClinVar variation 843353 (VCV000843353.7), dbSNP rs1846156925, ClinGen allele CA916083103.